The following is an entry in ClinVar:

ClinVar aggregate classification (germline): Uncertain significance. Review status: criteria provided, multiple submitters, no conflicts (2 of 4 stars). 2 submissions from 2 submitters: Uncertain significance (2). Last evaluated 2024-04-11.

Conditions:
Hereditary cancer-predisposing syndrome. Also called: Neoplastic Syndromes, Hereditary; Hereditary neoplastic syndrome; Tumor predisposition; Hereditary Cancer Syndrome. Identifiers: Orphanet 140162, MedGen C0027672, MeSH D009386, MONDO:0015356.
Ataxia-telangiectasia syndrome (AT). Also called: Ataxia-telangiectasia, complementation group E; Ataxia telangiectasia (A-T); LOUIS-BAR SYNDROME; Ataxia-telangiectasia, complementation group D; AT, COMPLEMENTATION GROUP C; Ataxia-telangiectasia. Identifiers: Orphanet 100, MedGen C0004135, MONDO:0008840, OMIM 208900.

Allele frequency attached by ClinVar (database versions not stated): TOPMed below 0.00001.

Submissions (2):

Ambry Genetics
Classification: Uncertain significance for Hereditary cancer-predisposing syndrome. Last evaluated: 2024-04-11. Review status: criteria provided, single submitter. Criteria: Ambry Variant Classification Scheme 2023. Collection method: clinical testing. Allele origin: germline.
Comment: The p.N602D variant (also known as c.1804A>G), located in coding exon 11 of the ATM gene, results from an A to G substitution at nucleotide position 1804. The asparagine at codon 602 is replaced by aspartic acid, an amino acid with highly similar properties. This amino acid position is not well conserved in available vertebrate species, and aspartic acid is the reference amino acid in other vertebrate species. In addition, this alteration is predicted to be tolerated by in silico analysis. Since supporting evidence is limited at this time, the clinical significance of this alteration remains unclear.

Labcorp Genetics (formerly Invitae), Labcorp
Classification: Uncertain significance for Ataxia-telangiectasia syndrome. Last evaluated: 2023-08-09. Review status: criteria provided, single submitter. Criteria: Invitae Variant Classification Sherloc (09022015). Collection method: clinical testing. Allele origin: germline.
Comment: This sequence change replaces asparagine, which is neutral and polar, with aspartic acid, which is acidic and polar, at codon 602 of the ATM protein (p.Asn602Asp). This variant is not present in population databases (gnomAD no frequency). This variant has not been reported in the literature in individuals affected with ATM-related conditions. ClinVar contains an entry for this variant (Variation ID: 835022). Algorithms developed to predict the effect of missense changes on protein structure and function output the following: SIFT: "Not Available"; PolyPhen-2: "Benign"; Align-GVGD: "Not Available". The aspartic acid amino acid residue is found in multiple mammalian species, which suggests that this missense change does not adversely affect protein function. In summary, the available evidence is currently insufficient to determine the role of this variant in disease. Therefore, it has been classified as a Variant of Uncertain Significance.

NM_000051.4(ATM):c.1804A>G (p.Asn602Asp)

Gene: ATM (ATM serine/threonine kinase; plus strand). Cytogenetic location: 11q22.3.
Variant type: single nucleotide variant.
Coding change: c.1804A>G on transcript NM_000051.4 (MANE Select); coding-DNA position 1804, A replaced by G.
Protein change: p.Asn602Asp; replaces asparagine 602 with aspartic acid.
Molecular consequence: missense variant.
Genome position (GRCh38, 1-based): chr11:108,252,818, A>G. VCF-style: chr11-108252818-A-G. GRCh37 (hg19) VCF-style: chr11-108123545-A-G.
Other names: c.1804A>G, p.Asn602Asp (NM_001351834.2); short protein forms N602D.
Identifiers: ClinVar variation 835022 (VCV000835022.11), dbSNP rs2080226309, ClinGen allele CA382535680.
Genomic context (GRCh38, chr11:108,252,818, plus strand): 5'-AAAGTATTCTTTACATGGCTTTTGGTCTTCTAAGTGAAGCTTTTTGTTTTTCTTTGTAGT[A>G]ATTTTCCTCATCTTGTACTGGAGAAAATTCTTGTGAGTCTCACTATGAAAAACTGTAAAG-3'
Protein context (NP_000042.3, residues 592-612): STEVPPILHS[Asn602Asp]FPHLVLEKIL